The following is an entry in ClinVar:

ClinVar aggregate classification (germline): Benign (1 of 4 stars; one submission).

Allele frequency attached by ClinVar (database versions not stated): 1000 Genomes Project 0.33586; 1000 Genomes Project 30x 0.33776; gnomAD 0.33883 and 0.33949; TOPMed 0.34149.
gnomAD v4.1: 51,542 of 151,952 alleles (34%); highest among the groups gnomAD compares: Admixed American, 44%; 9,165 homozygotes.

Submission:

GeneDx
Classification: Benign. Last evaluated: 2019-10-17. Review status: criteria provided, single submitter. Criteria: GeneDx Variant Classification Process June 2021. Collection method: clinical testing. Allele origin: germline. Affected: yes.
Comment: This variant is associated with the following publications: (PMID: 30528300)

NM_003998.4(NFKB1):c.1066+1726G>C

Gene: NFKB1 (nuclear factor kappa B subunit 1; plus strand). Cytogenetic location: 4q24.
Variant type: single nucleotide variant.
Coding change: c.1066+1726G>C on transcript NM_003998.4 (MANE Select); 1726 bases into the intron after coding-DNA position 1066, G replaced by C.
Molecular consequence: intron variant.
Genome position (GRCh38, 1-based): chr4:102,586,546, G>C. VCF-style: chr4-102586546-G-C. GRCh37 (hg19) VCF-style: chr4-103507703-G-C.
Other names: c.1066+1726G>C (NM_001382626.1, NM_001382625.1); c.1063+1726G>C (NM_001382627.1, NM_001165412.2, NM_001319226.2); c.1024+1726G>C (NM_001382628.1).
Identifiers: ClinVar variation 1240900 (VCV001240900.2), dbSNP rs17032850, ClinGen allele CA11695917.